The following is an entry in ClinVar:

NM_002951.5(RPN2):c.1277G>A (p.Gly426Asp)

Gene: RPN2 (ribophorin II; plus strand). Cytogenetic location: 20q11.23.
Variant type: single nucleotide variant.
Coding change: c.1277G>A on transcript NM_002951.5 (MANE Select); coding-DNA position 1277, G replaced by A.
Protein change: p.Gly426Asp; replaces glycine 426 with aspartic acid.
Molecular consequence: missense variant.
Genome position (GRCh38, 1-based): chr20:37,225,780, G>A. VCF-style: chr20-37225780-G-A. GRCh37 (hg19) VCF-style: chr20-35854183-G-A.
Other names: c.1181G>A, p.Gly394Asp (NM_001135771.3); c.1277G>A, p.Gly426Asp (NM_001324299.2, NM_001324302.2, NM_001324303.2 and 1 more transcripts); c.1325G>A, p.Gly442Asp (NM_001324301.2, NM_001324305.2); c.806G>A, p.Gly269Asp (NM_001324306.2); short protein forms G269D, G394D, G426D, G442D.
Identifiers: ClinVar variation 4806934 (VCV004806934.1).

ClinVar aggregate classification (germline): Uncertain significance (1 of 4 stars; one submission).

Conditions:
Congenital disorder of glycosylation (CDG). Also called: Carbohydrate-deficient glycoprotein syndrome; Congenital disorders of glycosylation. Identifiers: Orphanet 137, MedGen C0282577, MONDO:0015286.

gnomAD v4.1: 15 of 1,613,422 alleles (0.00093%); highest among the groups gnomAD compares: Admixed American, 0.0083%; no homozygotes.

Submission:

Labcorp Genetics (formerly Invitae), Labcorp
Classification: Uncertain significance for Congenital disorder of glycosylation. Last evaluated: 2025-03-18. Review status: criteria provided, single submitter. Criteria: Invitae Variant Classification Sherloc (09022015). Collection method: clinical testing. Allele origin: germline.
Comment: This sequence change replaces glycine, which is neutral and non-polar, with aspartic acid, which is acidic and polar, at codon 426 of the RPN2 protein (p.Gly426Asp). This variant is present in population databases (rs756735290, gnomAD 0.006%). This variant has not been reported in the literature in individuals affected with RPN2-related conditions. An algorithm developed to predict the effect of missense changes on protein structure and function (PolyPhen-2) suggests that this variant is likely to be disruptive. In summary, the available evidence is currently insufficient to determine the role of this variant in disease. Therefore, it has been classified as a Variant of Uncertain Significance.